The following is an entry in ClinVar:

NM_174916.3(UBR1):c.1539+2T>G

Gene: UBR1 (ubiquitin protein ligase E3 component n-recognin 1; minus strand). Cytogenetic location: 15q15.2.
Variant type: single nucleotide variant.
Coding change: c.1539+2T>G on transcript NM_174916.3 (MANE Select); the canonical splice donor site of the intron after coding-DNA position 1539, T replaced by G.
Molecular consequence: splice donor variant.
Genome position (GRCh38, 1-based): chr15:43,048,390, A>C on the plus strand (T>G on the coding strand, the complement: UBR1 is on the minus strand). VCF-style: chr15-43048390-A-C. GRCh37 (hg19) VCF-style: chr15-43340588-A-C.
Identifiers: ClinVar variation 1027875 (VCV001027875.1), dbSNP rs2033511910, ClinGen allele CA392069777.

ClinVar aggregate classification (germline): Likely pathogenic (1 of 4 stars; one submission).

Conditions:
Johanson-Blizzard syndrome (JBS). Also called: Nasal alar hypoplasia, hypothyroidism, pancreatic achylia and congenital deafness. Identifiers: Orphanet 2315, MedGen C0175692, MONDO:0009479, OMIM 243800.

Submission:

Baylor Genetics
Classification: Likely pathogenic for Johanson-Blizzard syndrome. Last evaluated: 2020-05-05. Review status: criteria provided, single submitter. Criteria: ACMG Guidelines, 2015. Collection method: clinical testing. Allele origin: unknown. Affected: yes.
Comment: This variant was determined to be likely pathogenic according to ACMG Guidelines, 2015 [PMID:25741868].